The following is an entry in ClinVar:

NM_001310135.5(TTC6):c.684C>T (p.Ser228=)

Gene: TTC6 (tetratricopeptide repeat domain 6; plus strand). Cytogenetic location: 14q21.1.
Variant type: single nucleotide variant.
Coding change: c.684C>T on transcript NM_001310135.5 (MANE Select); coding-DNA position 684, C replaced by T.
Protein change: p.Ser228=; no amino-acid change (serine 228 retained).
Molecular consequence: synonymous variant.
Genome position (GRCh38, 1-based): chr14:37,622,748, C>T. VCF-style: chr14-37622748-C-T. GRCh37 (hg19) VCF-style: chr14-38091953-C-T.
Identifiers: ClinVar variation 2644184 (VCV002644184.24), dbSNP rs2548732409, ClinGen allele CA486102431.

ClinVar aggregate classification (germline): Likely benign (1 of 4 stars; one submission).

Submission:

CeGaT Center for Human Genetics Tuebingen
Classification: Likely benign. Last evaluated: 2022-08-01. Review status: criteria provided, single submitter. Criteria: CeGaT Center For Human Genetics Tuebingen Variant Classification Criteria Version 2. Collection method: clinical testing. Allele origin: germline. Affected: yes. Observed: 1 variant allele.
Comment: TTC6: PM2:Supporting, BP4, BP7